The following is an entry in ClinVar:

NM_012448.4(STAT5B):c.799C>T (p.Pro267Ser)

Gene: STAT5B (signal transducer and activator of transcription 5B; minus strand). Cytogenetic location: 17q21.2.
Variant type: single nucleotide variant.
Coding change: c.799C>T on transcript NM_012448.4 (MANE Select); coding-DNA position 799, C replaced by T.
Protein change: p.Pro267Ser; replaces proline 267 with serine.
Molecular consequence: missense variant.
Genome position (GRCh38, 1-based): chr17:42,219,346, G>A on the plus strand (C>T on the coding strand, the complement: STAT5B is on the minus strand). VCF-style: chr17-42219346-G-A. GRCh37 (hg19) VCF-style: chr17-40371364-G-A.
Other names: short protein forms P267S.
Identifiers: ClinVar variation 636867 (VCV000636867.10), dbSNP rs760893128, ClinGen allele CA399587405.

ClinVar aggregate classification (germline): Uncertain significance. Review status: criteria provided, multiple submitters, no conflicts (2 of 4 stars). 3 submissions from 3 submitters: Uncertain significance (3). Last evaluated 2024-09-09.

Conditions:
Growth hormone insensitivity with immune dysregulation 1, autosomal recessive. Also called: GROWTH HORMONE INSENSITIVITY DUE TO POSTRECEPTOR DEFECT; LARON SYNDROME DUE TO POSTRECEPTOR DEFECT; Laron syndrome with immunodeficiency; GROWTH HORMONE INSENSITIVITY SYNDROME WITH IMMUNE DYSREGULATION 1, AUTOSOMAL RECESSIVE. Identifiers: Orphanet 220465, MedGen C5435698, MONDO:0100211, OMIM 245590.

Allele frequency attached by ClinVar (database versions not stated): gnomAD 0.00001; TOPMed 0.00001.

Submissions (3):

Women's Health and Genetics/Laboratory Corporation of America, LabCorp
Classification: Uncertain significance. Last evaluated: 2024-09-09. Review status: criteria provided, single submitter. Criteria: LabCorp Variant Classification Summary - May 2015. Collection method: clinical testing. Allele origin: germline.
Comment: Variant summary: STAT5B c.799C>T (p.Pro267Ser) results in a non-conservative amino acid change located in the STAT transcription factor, all-alpha domain (IPR013800) of the encoded protein sequence. Four of five in-silico tools predict a damaging effect of the variant on protein function. The variant was absent in 61768 control chromosomes. The available data on variant occurrences in the general population are insufficient to allow any conclusion about variant significance. To our knowledge, no occurrence of c.799C>T in individuals affected with Growth Hormone Insensitivity Syndrome With Immune Dysregulation 2, Autosomal Dominant and no experimental evidence demonstrating its impact on protein function have been reported. ClinVar contains an entry for this variant (Variation ID: 636867). Based on the evidence outlined above, the variant was classified as uncertain significance.

Blueprint Genetics
Classification: Uncertain significance. Last evaluated: 2024-07-24. Review status: criteria provided, single submitter. Criteria: ACMG Guidelines, 2015. Collection method: clinical testing. Allele origin: germline.

Labcorp Genetics (formerly Invitae), Labcorp
Classification: Uncertain significance for Growth hormone insensitivity with immune dysregulation 1, autosomal recessive. Last evaluated: 2022-08-09. Review status: criteria provided, single submitter. Criteria: Invitae Variant Classification Sherloc (09022015). Collection method: clinical testing. Allele origin: germline.
Comment: ClinVar contains an entry for this variant (Variation ID: 636867). In summary, the available evidence is currently insufficient to determine the role of this variant in disease. Therefore, it has been classified as a Variant of Uncertain Significance. Algorithms developed to predict the effect of missense changes on protein structure and function are either unavailable or do not agree on the potential impact of this missense change (SIFT: "Tolerated"; PolyPhen-2: "Probably Damaging"; Align-GVGD: "Class C0"). This variant has not been reported in the literature in individuals affected with STAT5B-related conditions. This variant is not present in population databases (gnomAD no frequency). This sequence change replaces proline, which is neutral and non-polar, with serine, which is neutral and polar, at codon 267 of the STAT5B protein (p.Pro267Ser).